The following is an entry in ClinVar:

ClinVar aggregate classification (germline): Conflicting classifications of pathogenicity. Review status: criteria provided, conflicting classifications (1 of 4 stars). 3 submissions from 3 submitters: Likely pathogenic (1); Uncertain significance (2). Last evaluated 2024-05-22.

Conditions:
Hypertrophic cardiomyopathy 10. Also called: MYL2-Related Familial Hypertrophic Cardiomyopathy; CARDIOMYOPATHY, HYPERTROPHIC, MID-LEFT VENTRICULAR CHAMBER TYPE, 2. Identifiers: MedGen C1834460, MONDO:0012112, OMIM 608758.
Cardiovascular phenotype. Identifiers: MedGen CN230736.

Submissions (3):

Labcorp Genetics (formerly Invitae), Labcorp
Classification: Likely pathogenic for Hypertrophic cardiomyopathy 10. Last evaluated: 2024-05-22. Review status: criteria provided, single submitter. Criteria: Invitae Variant Classification Sherloc (09022015). Collection method: clinical testing. Allele origin: germline.
Comment: This sequence change replaces glycine, which is neutral and non-polar, with glutamic acid, which is acidic and polar, at codon 87 of the MYL2 protein (p.Gly87Glu). This variant is not present in population databases (gnomAD no frequency). This missense change has been observed in individuals with hypertrophic cardiomyopathy (PMID: 23283745; Invitae). It has also been observed to segregate with disease in related individuals. ClinVar contains an entry for this variant (Variation ID: 571147). An algorithm developed to predict the effect of missense changes on protein structure and function (PolyPhen-2) suggests that this variant is likely to be disruptive. This variant disrupts the p.Gly87 amino acid residue in MYL2. Other variant(s) that disrupt this residue have been observed in individuals with MYL2-related conditions (PMID: 25132132, 33139982), which suggests that this may be a clinically significant amino acid residue. In summary, the currently available evidence indicates that the variant is pathogenic, but additional data are needed to prove that conclusively. Therefore, this variant has been classified as Likely Pathogenic.

Ambry Genetics
Classification: Uncertain significance for Cardiovascular phenotype. Last evaluated: 2021-05-09. Review status: criteria provided, single submitter. Criteria: Ambry Variant Classification Scheme 2023. Collection method: clinical testing. Allele origin: germline.
Comment: The p.G87E variant (also known as c.260G>A), located in coding exon 4 of the MYL2 gene, results from a G to A substitution at nucleotide position 260. The glycine at codon 87 is replaced by glutamic acid, an amino acid with similar properties. This variant was reported in one individual with hypertrophic cardiomyopathy and a family history of sudden death; however, this individual also had an MYH7 variant detected, and clinical details were limited (Zou Y et al. Mol Biol Rep, 2013 Jun;40:3969-76). This amino acid position is highly conserved in available vertebrate species. In addition, this alteration is predicted to be deleterious by in silico analysis. Since supporting evidence is limited at this time, the clinical significance of this alteration remains unclear.

GeneDx
Classification: Uncertain significance. Last evaluated: 2020-07-02. Review status: criteria provided, single submitter. Criteria: GeneDx Variant Classification Process June 2021. Collection method: clinical testing. Allele origin: germline. Affected: yes.
Comment: Not observed in large population cohorts (Lek et al., 2016); Reported in ClinVar as a variant of uncertain significance (ClinVar Variant ID# 571147; Landrum et al., 2016); In silico analysis supports that this missense variant has a deleterious effect on protein structure/function; This variant is associated with the following publications: (PMID: 25132132, 23283745)

Literature cited by the submitters: PubMed 23283745 (cited by Labcorp Genetics (formerly Invitae), Labcorp and Ambry Genetics); PubMed 25132132 (cited by Labcorp Genetics (formerly Invitae), Labcorp); PubMed 33139982 (cited by Labcorp Genetics (formerly Invitae), Labcorp).

NM_000432.4(MYL2):c.260G>A (p.Gly87Glu)

Gene: MYL2 (myosin light chain 2; minus strand). Cytogenetic location: 12q24.11.
Variant type: single nucleotide variant.
Coding change: c.260G>A on transcript NM_000432.4 (MANE Select); coding-DNA position 260, G replaced by A.
Protein change: p.Gly87Glu; replaces glycine 87 with glutamic acid.
Molecular consequence: missense variant.
Genome position (GRCh38, 1-based): chr12:110,914,200, C>T on the plus strand (G>A on the coding strand, the complement: MYL2 is on the minus strand). VCF-style: chr12-110914200-C-T. GRCh37 (hg19) VCF-style: chr12-111352004-C-T.
Other names: short protein forms G87E.
Identifiers: ClinVar variation 571147 (VCV000571147.11), dbSNP rs397516399, ClinGen allele CA386698668.